The following is an entry in ClinVar:

NM_015425.6(POLR1A):c.3545A>G (p.Tyr1182Cys)

Gene: POLR1A (RNA polymerase I subunit A; minus strand). Cytogenetic location: 2p11.2.
Variant type: single nucleotide variant.
Coding change: c.3545A>G on transcript NM_015425.6 (MANE Select); coding-DNA position 3545, A replaced by G.
Protein change: p.Tyr1182Cys; replaces tyrosine 1182 with cysteine.
Molecular consequence: missense variant.
Genome position (GRCh38, 1-based): chr2:86,041,916, T>C on the plus strand (A>G on the coding strand, the complement: POLR1A is on the minus strand). VCF-style: chr2-86041916-T-C. GRCh37 (hg19) VCF-style: chr2-86269039-T-C.
Other names: short protein forms Y1182C.
Identifiers: ClinVar variation 4772228 (VCV004772228.1).

ClinVar aggregate classification (germline): Uncertain significance (1 of 4 stars; one submission).

Submission:

Labcorp Genetics (formerly Invitae), Labcorp
Classification: Uncertain significance. Last evaluated: 2025-07-14. Review status: criteria provided, single submitter. Criteria: Invitae Variant Classification Sherloc (09022015). Collection method: clinical testing. Allele origin: germline.
Comment: This sequence change replaces tyrosine, which is neutral and polar, with cysteine, which is neutral and slightly polar, at codon 1182 of the POLR1A protein (p.Tyr1182Cys). This variant is not present in population databases (gnomAD no frequency). This variant has not been reported in the literature in individuals affected with POLR1A-related conditions. An algorithm developed to predict the effect of missense changes on protein structure and function outputs the following: PolyPhen-2: "Benign". The cysteine amino acid residue is found in multiple mammalian species, which suggests that this missense change does not adversely affect protein function. In summary, the available evidence is currently insufficient to determine the role of this variant in disease. Therefore, it has been classified as a Variant of Uncertain Significance.